The following is an entry in ClinVar:

ClinVar aggregate classification (germline): Likely pathogenic (1 of 4 stars; one submission).

Conditions:
Alpha-N-acetylgalactosaminidase deficiency type 1. Also called: SCHINDLER DISEASE, TYPE I; ALPHA-N-ACETYLGALACTOSAMINIDASE DEFICIENCY, TYPE I; NAGA DEFICIENCY, TYPE I; NEUROAXONAL DYSTROPHY, SCHINDLER TYPE. Identifiers: Orphanet 3137, Orphanet 79279, Orphanet 79281, MedGen C1836544, MONDO:0012221, OMIM 609241.

Submission:

Labcorp Genetics (formerly Invitae), Labcorp
Classification: Likely pathogenic for Alpha-N-acetylgalactosaminidase deficiency type 1. Last evaluated: 2024-10-17. Review status: criteria provided, single submitter. Criteria: Invitae Variant Classification Sherloc (09022015). Collection method: clinical testing. Allele origin: germline.
Comment: This sequence change affects an acceptor splice site in intron 3 of the NAGA gene. It is expected to disrupt RNA splicing. Variants that disrupt the donor or acceptor splice site typically lead to a loss of protein function (PMID: 16199547), and loss-of-function variants in NAGA are known to be pathogenic (PMID: 8782044, 11251574). This variant is present in population databases (rs776131411, gnomAD 0.0009%). This variant has not been reported in the literature in individuals affected with NAGA-related conditions. Algorithms developed to predict the effect of sequence changes on RNA splicing suggest that this variant may disrupt the consensus splice site. In summary, the currently available evidence indicates that the variant is pathogenic, but additional data are needed to prove that conclusively. Therefore, this variant has been classified as Likely Pathogenic.

Literature cited by the submitters: PubMed 16199547; PubMed 8782044; PubMed 11251574.

NM_000262.3(NAGA):c.325-1G>C

Genes: NAGA (alpha-N-acetylgalactosaminidase; minus strand), LOC126863160 (CDK7 strongly-dependent group 2 enhancer GRCh37_chr22:42462918-42464117; plus strand). Cytogenetic location: 22q13.2.
Variant type: single nucleotide variant.
Coding change: c.325-1G>C on transcript NM_000262.3 (MANE Select); the canonical splice acceptor site of the intron before coding-DNA position 325, G replaced by C.
Molecular consequence: splice acceptor variant.
Genome position (GRCh38, 1-based): chr22:42,067,291, C>G on the plus strand (G>C on the coding strand, the complement: NAGA is on the minus strand). VCF-style: chr22-42067291-C-G. GRCh37 (hg19) VCF-style: chr22-42463295-C-G.
Other names: c.325-1G>C (NM_001362850.1, NM_001362848.1).
Identifiers: ClinVar variation 3706686 (VCV003706686.2).